The following is an entry in ClinVar:

ClinVar aggregate classification (germline): Likely pathogenic (0 of 4 stars; one submission).

Conditions:
Combined oxidative phosphorylation deficiency 54 (COXPD54). Identifiers: MedGen C5676912, MONDO:0030543, OMIM 619737.

gnomAD v4.1: 3 of 1,614,180 alleles (0.00019%); highest among the groups gnomAD compares: Admixed American, 0.005%; no homozygotes.

Submission:

Newman Lab, University of Manchester
Classification: Likely pathogenic for Combined oxidative phosphorylation deficiency 54. Last evaluated: 2025-12-09. Review status: no assertion criteria provided. Collection method: research. Allele origin: paternal. Affected: yes.
Comment: Not observed at significant frequency in large population cohorts (gnomAD v4.0); highly conserved residue to C.elegans; reduced mitochondrial tRNA transcript processing

NM_014672.4(PRORP):c.1510C>T (p.His504Tyr)

Genes: PRORP (protein only RNase P catalytic subunit; plus strand), PRORP-PSMA6 (PRORP-PSMA6 readthrough; plus strand). Cytogenetic location: 14q13.2.
Variant type: single nucleotide variant.
Coding change: c.1510C>T on transcript NM_014672.4 (MANE Select); coding-DNA position 1510, C replaced by T.
Protein change: p.His504Tyr; replaces histidine 504 with tyrosine.
Molecular consequence: missense variant. On other transcripts: non-coding transcript variant (4).
Genome position (GRCh38, 1-based): chr14:35,270,486, C>T. VCF-style: chr14-35270486-C-T. GRCh37 (hg19) VCF-style: chr14-35739692-C-T.
Other names: c.1462C>T, p.His488Tyr (NM_001256678.2); c.1225C>T, p.His409Tyr (NM_001256679.2); c.394C>T, p.His132Tyr (NM_001256680.2, NM_001256681.2); c.1510C>T, p.His504Tyr (NM_001414503.1); short protein forms H132Y, H409Y, H488Y, H504Y.
Identifiers: ClinVar variation 4533392 (VCV004533392.1).